The following is an entry in ClinVar:

NM_000492.4(CFTR):c.2773A>C (p.Thr925Pro)

Gene: CFTR (CF transmembrane conductance regulator; plus strand). Cytogenetic location: 7q31.2.
Variant type: single nucleotide variant.
Coding change: c.2773A>C on transcript NM_000492.4 (MANE Select); coding-DNA position 2773, A replaced by C.
Protein change: p.Thr925Pro; replaces threonine 925 with proline.
Molecular consequence: missense variant.
Genome position (GRCh38, 1-based): chr7:117,603,647, A>C. VCF-style: chr7-117603647-A-C. GRCh37 (hg19) VCF-style: chr7-117243701-A-C.
Other names: short protein forms T925P.
Identifiers: ClinVar variation 4825416 (VCV004825416.1).

ClinVar aggregate classification (germline): Uncertain significance (1 of 4 stars; one submission).

Conditions:
Cystic fibrosis (CF). Also called: MUCOVISCIDOSIS. Identifiers: Orphanet 586, MedGen C0010674, MONDO:0009061, OMIM 219700. Disease mechanism: loss of function.

Submission:

Ambry Genetics
Classification: Uncertain significance for Cystic fibrosis. Last evaluated: 2026-02-14. Review status: criteria provided, single submitter. Criteria: Ambry Variant Classification Scheme 2023. Collection method: clinical testing. Allele origin: germline.
Comment: The p.T925P variant (also known as c.2773A>C), located in coding exon 17 of the CFTR gene, results from an A to C substitution at nucleotide position 2773. The threonine at codon 925 is replaced by proline, an amino acid with highly similar properties. This amino acid position is conserved. In addition, this alteration is predicted to be deleterious by in silico analysis. Based on the available evidence, the clinical significance of this variant remains unclear.